The following is an entry in ClinVar:

NM_001199107.2(TBC1D24):c.1525+13A>C

Gene: TBC1D24 (TBC1 domain family member 24; plus strand). Cytogenetic location: 16p13.3.
Variant type: single nucleotide variant.
Coding change: c.1525+13A>C on transcript NM_001199107.2 (MANE Select); 13 bases into the intron after coding-DNA position 1525, A replaced by C.
Molecular consequence: intron variant.
Genome position (GRCh38, 1-based): chr16:2,500,503, A>C. VCF-style: chr16-2500503-A-C. GRCh37 (hg19) VCF-style: chr16-2550504-A-C.
Other names: c.1507+13A>C (NM_020705.3).
Identifiers: ClinVar variation 207492 (VCV000207492.13), dbSNP rs751260694, ClinGen allele CA319008.
Genomic context (GRCh38, chr16:2,500,503, plus strand): 5'-AGACCGAGTCCATGTTCATGGCGGGGGGCAGCGACTGCCTCATCGTCGGTGAGCGCCAGC[A>C]GACGGGGCTCTGGGATGAGGGTGTGGGGTCCGGGCAGCTGAAGCTGCTGCACCCAGCCCT-3'

ClinVar aggregate classification (germline): Benign/Likely benign. Review status: criteria provided, multiple submitters, no conflicts (2 of 4 stars). 2 submissions from 2 submitters: Benign (1); Likely benign (1). Last evaluated 2026-01-21.

Conditions:
Autosomal dominant nonsyndromic hearing loss 65. Also called: Deafness, autosomal dominant 65; TBC1D24-Related Autosomal Dominant Nonsyndromic Hearing Loss (DFNA). Identifiers: Orphanet 90635, MedGen C3892048, MONDO:0014470, OMIM 616044.
Developmental and epileptic encephalopathy, 1 (DEE1). Also called: X-linked infantile spasms; West's syndrome; Tonic spasms with clustering, arrest of psychomotor development and hypsarrhythmia on EEG; X-Linked Infantile Spasm Syndrome; Epileptic encephalopathy, early infantile, 1; OHTAHARA SYNDROME, X-LINKED. Identifiers: MedGen C3463992, MONDO:0010632, OMIM 308350. Disease mechanism: loss of function.

Allele frequency attached by ClinVar (database versions not stated): gnomAD 0.00001; gnomAD exomes 0.00007; ExAC 0.00006; TOPMed 0.00005.
gnomAD v4.1: 13 of 1,549,726 alleles (0.00084%); highest among the groups gnomAD compares: Admixed American, 0.025%; no homozygotes.

Submissions (2):

Labcorp Genetics (formerly Invitae), Labcorp
Classification: Likely benign for Developmental and epileptic encephalopathy, 1; Autosomal dominant nonsyndromic hearing loss 65. Last evaluated: 2026-01-21. Review status: criteria provided, single submitter. Criteria: Invitae Variant Classification Sherloc (09022015). Collection method: clinical testing. Allele origin: germline.

GeneDx
Classification: Benign. Last evaluated: 2014-11-11. Review status: criteria provided, single submitter. Criteria: GeneDx Variant Classification (06012015). Collection method: clinical testing. Allele origin: germline. Affected: yes.
Comment: This variant is considered likely benign or benign based on one or more of the following criteria: it is a conservative change, it occurs at a poorly conserved position in the protein, it is predicted to be benign by multiple in silico algorithms, and/or has population frequency not consistent with disease.